The following is an entry in ClinVar:

NM_001161352.2(KCNMA1):c.418G>A (p.Gly140Ser)

Gene: KCNMA1 (potassium calcium-activated channel subfamily M alpha 1; minus strand). Cytogenetic location: 10q22.3.
Variant type: single nucleotide variant.
Coding change: c.418G>A on transcript NM_001161352.2 (MANE Select); coding-DNA position 418, G replaced by A.
Protein change: p.Gly140Ser; replaces glycine 140 with serine.
Molecular consequence: missense variant. On other transcripts: intron variant (1).
Genome position (GRCh38, 1-based): chr10:77,403,984, C>T on the plus strand (G>A on the coding strand, the complement: KCNMA1 is on the minus strand). VCF-style: chr10-77403984-C-T. GRCh37 (hg19) VCF-style: chr10-79163742-C-T.
Other names: c.418G>A, p.Gly140Ser (NM_001014797.3, NM_001161353.2, NM_001271519.2 and 8 more transcripts); c.379-152728G>A (NM_001271518.2); short protein forms G140S.
Identifiers: ClinVar variation 2996160 (VCV002996160.3), dbSNP rs201893745, ClinGen allele CA210133340.
Genomic context (GRCh38, chr10:77,403,984, plus strand): 5'-TCATCCAGCCGACCTCGGCGGCCACTGCCTCCTCTTTTTCATCCACTGGTTTGAGAGTGC[C>T]ATCCGCCTGGCTTGAGCCATTGTTAATCTTCTGGGCCTCCTGGCAACAGAGAGAGCAAGA-3'
Protein context (NP_001154824.1, residues 130-150): KINNGSSQAD[Gly140Ser]TLKPVDEKEE

ClinVar aggregate classification (germline): Uncertain significance (1 of 4 stars; one submission).

Conditions:
Generalized epilepsy-paroxysmal dyskinesia syndrome (PNKD3). Also called: Generalized epilepsy and paroxysmal dyskinesia; Paroxysmal nonkinesigenic dyskinesia, 3, with or without generalized epilepsy. Identifiers: Orphanet 79137, MedGen C5574945, MONDO:0012276, OMIM 609446.

Allele frequency attached by ClinVar (database versions not stated): TOPMed below 0.00001; gnomAD 0.00001.

Submission:

Labcorp Genetics (formerly Invitae), Labcorp
Classification: Uncertain significance for Generalized epilepsy-paroxysmal dyskinesia syndrome. Last evaluated: 2025-02-04. Review status: criteria provided, single submitter. Criteria: Invitae Variant Classification Sherloc (09022015). Collection method: clinical testing. Allele origin: germline.
Comment: This sequence change replaces glycine, which is neutral and non-polar, with serine, which is neutral and polar, at codon 140 of the KCNMA1 protein (p.Gly140Ser). This variant is not present in population databases (gnomAD no frequency). This variant has not been reported in the literature in individuals affected with KCNMA1-related conditions. ClinVar contains an entry for this variant (Variation ID: 2996160). An algorithm developed to predict the effect of missense changes on protein structure and function (PolyPhen-2) suggests that this variant is likely to be tolerated. In summary, the available evidence is currently insufficient to determine the role of this variant in disease. Therefore, it has been classified as a Variant of Uncertain Significance.